The following is an entry in ClinVar:

NM_004397.6(DDX6):c.19G>C (p.Glu7Gln)

Gene: DDX6 (DEAD-box helicase 6; minus strand). Cytogenetic location: 11q23.3.
Variant type: single nucleotide variant.
Coding change: c.19G>C on transcript NM_004397.6 (MANE Select); coding-DNA position 19, G replaced by C.
Protein change: p.Glu7Gln; replaces glutamic acid 7 with glutamine.
Molecular consequence: missense variant. On other transcripts: intron variant (1).
Genome position (GRCh38, 1-based): chr11:118,786,233, C>G on the plus strand (G>C on the coding strand, the complement: DDX6 is on the minus strand). VCF-style: chr11-118786233-C-G. GRCh37 (hg19) VCF-style: chr11-118656942-C-G.
Other names: c.19G>C, p.Glu7Gln (NM_001257191.3, NM_001425145.1, NM_001425146.1 and 7 more transcripts); c.-125+4865G>C (NM_001425154.1); short protein forms E7Q.
Identifiers: ClinVar variation 4882586 (VCV004882586.2).

ClinVar aggregate classification (germline): Uncertain significance (1 of 4 stars; one submission).

Conditions:
Intellectual developmental disorder with impaired language and dysmorphic facies. Identifiers: MedGen C5231444, MONDO:0032851, OMIM 618653.

Submission:

Dasa
Classification: Uncertain significance for Intellectual developmental disorder with impaired language and dysmorphic facies. Last evaluated: 2025-11-12. Review status: criteria provided, single submitter. Criteria: DASA Assertion Criteria. Collection method: clinical testing. Allele origin: germline.
Comment: NM_004397.6(DDX6):c.19G>C (p.Glu7Gln) is a missense variant that results in the substitution of glutamic acid with glutamine. This variant is absent from population databases. The currently available literature and clinical evidence are not sufficient to establish a definitive association between this variant and the reported condition. Therefore, this variant is classified as a variant of uncertain significance.